The following is an entry in ClinVar:

NM_001692.4(ATP6V1B1):c.146G>C (p.Gly49Ala)

Genes: ATP6V1B1 (ATPase H+ transporting V1 subunit B1; plus strand), ATP6V1B1-AS1 (ATP6V1B1 antisense RNA 1; minus strand). Cytogenetic location: 2p13.3.
Variant type: single nucleotide variant.
Coding change: c.146G>C on transcript NM_001692.4 (MANE Select); coding-DNA position 146, G replaced by C.
Protein change: p.Gly49Ala; replaces glycine 49 with alanine.
Molecular consequence: missense variant.
Genome position (GRCh38, 1-based): chr2:70,943,685, G>C. VCF-style: chr2-70943685-G-C. GRCh37 (hg19) VCF-style: chr2-71170815-G-C.
Other names: short protein forms G49A.
Identifiers: ClinVar variation 4805371 (VCV004805371.1).
Genomic context (GRCh38, chr2:70,943,685, plus strand): 5'-TGAGACCCCTACTCACCCCCGCCCCTCCCCCAGCCTACAGGACTGTGTGCAGCGTGAACG[G>C]GCCCCTGGTGGTGCTGGACCGGGTCAAGGTAAGACTCTTCTGCTGCCTCCCTGGCACTAA-3'
Protein context (NP_001683.2, residues 39-59): VTYRTVCSVN[Gly49Ala]PLVVLDRVKF

ClinVar aggregate classification (germline): Uncertain significance (1 of 4 stars; one submission).

gnomAD v4.1: 1 of 1,613,852 alleles (0.000062%); highest among the groups gnomAD compares: Non-Finnish European, 0.000085%; no homozygotes.

Submission:

Labcorp Genetics (formerly Invitae), Labcorp
Classification: Uncertain significance. Last evaluated: 2025-06-04. Review status: criteria provided, single submitter. Criteria: Invitae Variant Classification Sherloc (09022015). Collection method: clinical testing. Allele origin: germline.
Comment: This sequence change replaces glycine, which is neutral and non-polar, with alanine, which is neutral and non-polar, at codon 49 of the ATP6V1B1 protein (p.Gly49Ala). This variant is not present in population databases (gnomAD no frequency). This variant has not been reported in the literature in individuals affected with ATP6V1B1-related conditions. Invitae Evidence Modeling of protein sequence and biophysical properties (such as structural, functional, and spatial information, amino acid conservation, physicochemical variation, residue mobility, and thermodynamic stability) indicates that this missense variant is expected to disrupt ATP6V1B1 protein function with a positive predictive value of 80%. In summary, the available evidence is currently insufficient to determine the role of this variant in disease. Therefore, it has been classified as a Variant of Uncertain Significance.